The following is an entry in ClinVar:

NM_001329943.3(KIAA0586):c.1501C>T (p.Leu501Phe)

Gene: KIAA0586 (KIAA0586; plus strand). Cytogenetic location: 14q23.1.
Variant type: single nucleotide variant.
Coding change: c.1501C>T on transcript NM_001329943.3 (MANE Select); coding-DNA position 1501, C replaced by T.
Protein change: p.Leu501Phe; replaces leucine 501 with phenylalanine.
Molecular consequence: missense variant.
Genome position (GRCh38, 1-based): chr14:58,457,897, C>T. VCF-style: chr14-58457897-C-T. GRCh37 (hg19) VCF-style: chr14-58924615-C-T.
Other names: c.1660C>T, p.Leu554Phe (NM_001244189.2); c.1456C>T, p.Leu486Phe (NM_001244190.2); c.1246C>T, p.Leu416Phe (NM_001244191.2, NM_001329945.2, NM_001364700.1 and 1 more transcripts); c.1369C>T, p.Leu457Phe (NM_001244192.2); c.1081C>T, p.Leu361Phe (NM_001244193.2); c.1501C>T, p.Leu501Phe (NM_001329944.2, NM_001329946.2, NM_001329947.2 and 1 more transcripts); c.1660C>T (NM_001244189.1); short protein forms L486F, L361F, L501F, L457F, L416F, L554F.
Identifiers: ClinVar variation 2155553 (VCV002155553.5), dbSNP rs1474078162, ClinGen allele CA389868536.

ClinVar aggregate classification (germline): Uncertain significance. Review status: criteria provided, multiple submitters, no conflicts (2 of 4 stars). 2 submissions from 2 submitters: Uncertain significance (2). Last evaluated 2025-01-06.

Conditions:
Short-rib thoracic dysplasia 14 with polydactyly (SRTD14). Identifiers: Orphanet 397715, MedGen C4225286, MONDO:0014688, OMIM 616546.
Joubert syndrome 23 (JBTS23). Identifiers: Orphanet 475, MedGen C4084822, MONDO:0014664, OMIM 616490.

Allele frequency attached by ClinVar (database versions not stated): TOPMed below 0.00001.
gnomAD v4.1: 34 of 1,606,758 alleles (0.0021%); highest among the groups gnomAD compares: Non-Finnish European, 0.0029%; no homozygotes.

Submissions (2):

Labcorp Genetics (formerly Invitae), Labcorp
Classification: Uncertain significance for Joubert syndrome 23; Short-rib thoracic dysplasia 14 with polydactyly. Last evaluated: 2025-01-06. Review status: criteria provided, single submitter. Criteria: Invitae Variant Classification Sherloc (09022015). Collection method: clinical testing. Allele origin: germline.
Comment: This sequence change replaces leucine, which is neutral and non-polar, with phenylalanine, which is neutral and non-polar, at codon 554 of the KIAA0586 protein (p.Leu554Phe). This variant is not present in population databases (gnomAD no frequency). This variant has not been reported in the literature in individuals affected with KIAA0586-related conditions. ClinVar contains an entry for this variant (Variation ID: 2155553). Invitae Evidence Modeling of protein sequence and biophysical properties (such as structural, functional, and spatial information, amino acid conservation, physicochemical variation, residue mobility, and thermodynamic stability) indicates that this missense variant is expected to disrupt KIAA0586 protein function with a positive predictive value of 80%. In summary, the available evidence is currently insufficient to determine the role of this variant in disease. Therefore, it has been classified as a Variant of Uncertain Significance.

GeneDx
Classification: Uncertain significance. Last evaluated: 2024-11-27. Review status: criteria provided, single submitter. Criteria: GeneDx Variant Classification Process June 2021. Collection method: clinical testing. Allele origin: germline. Affected: yes.
Comment: Not observed at significant frequency in large population cohorts (gnomAD); In silico analysis supports that this missense variant has a deleterious effect on protein structure/function; Has not been previously published as pathogenic or benign to our knowledge